The following is an entry in ClinVar:

NM_001142966.3(GREB1L):c.883_893del (p.Ser295fs)

Genes: GREB1L (GREB1 like retinoic acid receptor coactivator; plus strand), GREB1L-AS1 (GREB1L antisense RNA 1; minus strand). Cytogenetic location: 18q11.1.
Variant type: Deletion.
Coding change: c.883_893del on transcript NM_001142966.3 (MANE Select); coding-DNA positions 883 to 893, 11 bases deleted (TCCACTCCAGC).
Protein change: p.Ser295fs; shifts the reading frame from serine 295.
Molecular consequence: frameshift variant.
Genome position (GRCh38, 1-based): chr18:21,439,571-21,439,581, TCCACTCCAGC deleted; deleting any 11 consecutive bases within chr18:21,439,565-21,439,581 gives the same sequence; the c. name uses the placement nearest the transcript's 3' end. VCF-style (leftmost placement, unchanged base first): chr18-21439564-ATCCAGCTCCAC-A. GRCh37 (hg19) VCF-style: chr18-19019525-ATCCAGCTCCAC-A.
Other names: c.1012_1022del, p.Ser338fs (NM_001410867.1); c.883_893del, p.Ser295fs (NM_001410868.1); short protein forms S295fs, S338fs.
Identifiers: ClinVar variation 5019866 (VCV005019866.1).

ClinVar aggregate classification (germline): Pathogenic (1 of 4 stars; one submission).

Conditions:
Hearing loss, autosomal dominant 80. Also called: DEAFNESS, AUTOSOMAL DOMINANT 80. Identifiers: MedGen C5543289, MONDO:0030998, OMIM 619274.
Renal hypodysplasia/aplasia 3 (RHDA3). Identifiers: MedGen C4540497, MONDO:0024520, OMIM 617805.

Submission:

Juno Genomics, Hangzhou Juno Genomics, Inc
Classification: Pathogenic for Hearing loss, autosomal dominant 80; Renal hypodysplasia/aplasia 3. Review status: criteria provided, single submitter. Criteria: ACMG Guidelines, 2015. Collection method: clinical testing. Allele origin: germline. Affected: yes.
Comment: Absent from controls (or at extremely low frequency if recessive) in Genome Aggregation Database.;Null variant in a gene where loss of function (LOF) is a known mechanism of disease.;Patient's phenotype or family history is highly specific for a disease with a single genetic etiology.